The following is an entry in ClinVar:

ClinVar aggregate classification (germline): Uncertain significance (1 of 4 stars; one submission).

Conditions:
Hereditary hemorrhagic telangiectasia (HHT). Also called: ORW DISEASE; Osler Weber Rendu syndrome; OSLER-RENDU-WEBER DISEASE; Osler hemorrhagic telangiectasia syndrome. Identifiers: Orphanet 774, MedGen C0039445, MONDO:0019180. Disease mechanism: loss of function.

gnomAD v4.1: 1 of 1,613,150 alleles (0.000062%); highest among the groups gnomAD compares: South Asian, 0.0011%; no homozygotes.

Submissions (2):

Labcorp Genetics (formerly Invitae), Labcorp
Classification: Uncertain significance for Hereditary hemorrhagic telangiectasia. Last evaluated: 2022-09-13. Review status: criteria provided, single submitter. Criteria: Invitae Variant Classification Sherloc (09022015). Collection method: clinical testing. Allele origin: germline.
Comment: This sequence change replaces glycine, which is neutral and non-polar, with valine, which is neutral and non-polar, at codon 331 of the ENG protein (p.Gly331Val). This variant is not present in population databases (gnomAD no frequency). This variant has not been reported in the literature in individuals affected with ENG-related conditions. Algorithms developed to predict the effect of missense changes on protein structure and function are either unavailable or do not agree on the potential impact of this missense change (SIFT: "Tolerated"; PolyPhen-2: "Probably Damaging"; Align-GVGD: "Class C0"). Algorithms developed to predict the effect of sequence changes on RNA splicing suggest that this variant may disrupt the consensus splice site. In summary, the available evidence is currently insufficient to determine the role of this variant in disease. Therefore, it has been classified as a Variant of Uncertain Significance.

Dr. Peter K. Rogan Lab, Western University
No classification provided (evidence only). Condition: Acute myeloid leukemia. Review status: no classification provided. Collection method: in vitro. Allele origin: not applicable. Functional consequence: skipped exon. Not counted in ClinVar's aggregate classification.

NM_001114753.3(ENG):c.992G>T (p.Gly331Val)

Gene: ENG (endoglin; minus strand). Cytogenetic location: 9q34.11.
Variant type: single nucleotide variant.
Coding change: c.992G>T on transcript NM_001114753.3 (MANE Select); coding-DNA position 992, G replaced by T.
Protein change: p.Gly331Val; replaces glycine 331 with valine.
Molecular consequence: missense variant.
Genome position (GRCh38, 1-based): chr9:127,824,446, C>A on the plus strand (G>T on the coding strand, the complement: ENG is on the minus strand). VCF-style: chr9-127824446-C-A. GRCh37 (hg19) VCF-style: chr9-130586725-C-A.
Other names: c.992G>T, p.Gly331Val (NM_000118.4, NM_001406715.1); c.446G>T, p.Gly149Val (NM_001278138.2); short protein forms G149V, G331V.
Identifiers: ClinVar variation 1719349 (VCV001719349.7), dbSNP rs2539071343, ClinGen allele CA374981778.